The following is an entry in ClinVar:

NM_004937.3(CTNS):c.70G>A (p.Val24Ile)

Gene: CTNS (cystinosin, lysosomal cystine transporter; plus strand). Cytogenetic location: 17p13.2.
Variant type: single nucleotide variant.
Coding change: c.70G>A on transcript NM_004937.3 (MANE Select); coding-DNA position 70, G replaced by A.
Protein change: p.Val24Ile; replaces valine 24 with isoleucine.
Molecular consequence: missense variant. On other transcripts: 5 prime UTR variant (3), intron variant (1).
Genome position (GRCh38, 1-based): chr17:3,647,452, G>A. VCF-style: chr17-3647452-G-A. GRCh37 (hg19) VCF-style: chr17-3550746-G-A.
Other names: c.70G>A (NM_004937.2); c.70G>A, p.Val24Ile (NM_001031681.3, NM_001374492.1); c.-287G>A (NM_001374493.1, NM_001374496.1); c.-372G>A (NM_001374494.1); c.-217+7185G>A (NM_001374495.1); short protein forms V24I.
Identifiers: ClinVar variation 2178493 (VCV002178493.3), dbSNP rs769148288, ClinGen allele CA8291545.

ClinVar aggregate classification (germline): Uncertain significance. Review status: criteria provided, multiple submitters, no conflicts (2 of 4 stars). 3 submissions from 3 submitters: Uncertain significance (3). Last evaluated 2024-07-05.

Conditions:
Ocular cystinosis. Also called: Non-Nephropathic Cystinosis; Non-Nephropathic (Ocular) Cystinosis. Identifiers: Orphanet 213, Orphanet 411641, MedGen C2931013, MONDO:0009064, OMIM 219750.
Nephropathic cystinosis (CTNS). Also called: CYSTINOSIN, DEFECT OF; LYSOSOMAL CYSTINE TRANSPORT PROTEIN, DEFECT OF; Abderhalden Lignac Kaufmann disease; Abderhalden-Kaufmann-Lignac syndrome. Identifiers: Orphanet 213, Orphanet 411629, MedGen C2931187, MONDO:0100151, OMIM 219800.
Juvenile nephropathic cystinosis. Also called: Intermediate Cystinosis; CYSTINOSIS, LATE-ONSET JUVENILE OR ADOLESCENT NEPHROPATHIC TYPE; Later-Onset (Juvenile) Cystinosis. Identifiers: Orphanet 213, Orphanet 411634, MedGen C0268626, MONDO:0009066, OMIM 219900.
Inborn genetic diseases. Identifiers: MedGen C0950123, MeSH D030342.

Allele frequency attached by ClinVar (database versions not stated): ExAC 0.00003.

Submissions (3):

Ambry Genetics
Classification: Uncertain significance for Inborn genetic diseases. Last evaluated: 2024-07-05. Review status: criteria provided, single submitter. Criteria: Ambry Variant Classification Scheme 2023. Collection method: clinical testing. Allele origin: germline.

Fulgent Genetics
Classification: Uncertain significance for Ocular cystinosis; Nephropathic cystinosis; Juvenile nephropathic cystinosis. Last evaluated: 2024-06-22. Review status: criteria provided, single submitter. Criteria: ACMG Guidelines, 2015. Collection method: clinical testing. Allele origin: germline.

Labcorp Genetics (formerly Invitae), Labcorp
Classification: Uncertain significance for Inborn genetic diseases; Ocular cystinosis; Juvenile nephropathic cystinosis. Last evaluated: 2022-07-18. Review status: criteria provided, single submitter. Criteria: Invitae Variant Classification Sherloc (09022015). Collection method: clinical testing. Allele origin: germline.
Comment: This sequence change replaces valine, which is neutral and non-polar, with isoleucine, which is neutral and non-polar, at codon 24 of the CTNS protein (p.Val24Ile). This variant is present in population databases (rs769148288, gnomAD 0.009%). This variant has not been reported in the literature in individuals affected with CTNS-related conditions. Advanced modeling of protein sequence and biophysical properties (such as structural, functional, and spatial information, amino acid conservation, physicochemical variation, residue mobility, and thermodynamic stability) performed at Invitae indicates that this missense variant is not expected to disrupt CTNS protein function. In summary, the available evidence is currently insufficient to determine the role of this variant in disease. Therefore, it has been classified as a Variant of Uncertain Significance.